The following is an entry in ClinVar:

NM_006996.3(SLC19A2):c.588C>T (p.Thr196=)

Gene: SLC19A2 (solute carrier family 19 member 2; minus strand). Cytogenetic location: 1q24.2.
Variant type: single nucleotide variant.
Coding change: c.588C>T on transcript NM_006996.3 (MANE Select); coding-DNA position 588, C replaced by T.
Protein change: p.Thr196=; no amino-acid change (threonine 196 retained).
Molecular consequence: synonymous variant. On other transcripts: intron variant (1).
Genome position (GRCh38, 1-based): chr1:169,477,374, G>A on the plus strand (C>T on the coding strand, the complement: SLC19A2 is on the minus strand). VCF-style: chr1-169477374-G-A. GRCh37 (hg19) VCF-style: chr1-169446612-G-A.
Other names: c.205-7188C>T (NM_001319667.1).
Identifiers: ClinVar variation 761391 (VCV000761391.10), dbSNP rs146835764, ClinGen allele CA1233043.
Genomic context (GRCh38, chr1:169,477,374, plus strand): 5'-GAAGAGGCTCTTCTGTGGCATAGGTAAAAACCAGGCCACAGCAAAAGCCACTGAAACACA[G>A]GTAAGAGAGATGACATTCAGGCTGAACAGCGACCAGCCTGCCACTGAGACAAGGATTTGC-3'
Protein context (NP_008927.1, residues 186-206): SLFSLNVISL[Thr196=]CVSVAFAVAW

ClinVar aggregate classification (germline): Likely benign. Review status: criteria provided, multiple submitters, no conflicts (2 of 4 stars). 3 submissions from 3 submitters: Likely benign (2). 1 of the submissions does not count toward it. Last evaluated 2026-01-16.

Conditions:
SLC19A2-related disorder. Also called: SLC19A2-related condition.

Allele frequency attached by ClinVar (database versions not stated): TOPMed 0.00006; gnomAD 0.00009 and 0.00011; ExAC 0.00011; gnomAD exomes 0.00011; ESP Exome Variant Server 0.00015.

Submissions (3):

Labcorp Genetics (formerly Invitae), Labcorp
Classification: Likely benign. Last evaluated: 2026-01-16. Review status: criteria provided, single submitter. Criteria: Invitae Variant Classification Sherloc (09022015). Collection method: clinical testing. Allele origin: germline.

Blueprint Genetics
Classification: Likely benign. Last evaluated: 2023-12-18. Review status: criteria provided, single submitter. Criteria: ACMG Guidelines, 2015. Collection method: clinical testing. Allele origin: germline.

PreventionGenetics, part of Exact Sciences
Classification: Likely benign for SLC19A2-related condition. Last evaluated: 2021-02-16. Review status: no assertion criteria provided. Collection method: clinical testing. Allele origin: germline. Not counted in ClinVar's aggregate classification.
Comment: This variant is classified as likely benign based on ACMG/AMP sequence variant interpretation guidelines (Richards et al. 2015 PMID: 25741868, with internal and published modifications).